The following is an entry in ClinVar:

NM_020806.5(GPHN):c.763A>G (p.Met255Val)

Gene: GPHN (gephyrin; plus strand). Cytogenetic location: 14q23.3.
Variant type: single nucleotide variant.
Coding change: c.763A>G on transcript NM_020806.5 (MANE Select); coding-DNA position 763, A replaced by G.
Protein change: p.Met255Val; replaces methionine 255 with valine.
Molecular consequence: missense variant. On other transcripts: intron variant (7).
Genome position (GRCh38, 1-based): chr14:66,924,227, A>G. VCF-style: chr14-66924227-A-G. GRCh37 (hg19) VCF-style: chr14-67390944-A-G.
Other names: c.768+1289A>G (NM_001377514.1, NM_001377519.1); c.729+1289A>G (NM_001377515.1, NM_001377516.1, NM_001377518.1 and 2 more transcripts); short protein forms M255V.
Identifiers: ClinVar variation 2414942 (VCV002414942.5), dbSNP rs755083907, ClinGen allele CA7233825.

ClinVar aggregate classification (germline): Uncertain significance (1 of 4 stars; one submission).

Conditions:
Sulfite oxidase deficiency due to molybdenum cofactor deficiency type C. Also called: Molybdenum cofactor deficiency, complementation group C; Molybdenum cofactor deficiency C. Identifiers: Orphanet 308400, Orphanet 833, MedGen C1854990, MONDO:0014212, OMIM 615501.

Allele frequency attached by ClinVar (database versions not stated): gnomAD exomes below 0.00001; TOPMed below 0.00001; ExAC 0.00002.
gnomAD v4.1: 6 of 1,610,904 alleles (0.00037%); highest among the groups gnomAD compares: Admixed American, 0.0033%; no homozygotes.

Submission:

Labcorp Genetics (formerly Invitae), Labcorp
Classification: Uncertain significance for Sulfite oxidase deficiency due to molybdenum cofactor deficiency type C. Last evaluated: 2023-12-14. Review status: criteria provided, single submitter. Criteria: Invitae Variant Classification Sherloc (09022015). Collection method: clinical testing. Allele origin: germline.
Comment: This sequence change replaces methionine, which is neutral and non-polar, with valine, which is neutral and non-polar, at codon 255 of the GPHN protein (p.Met255Val). This variant is present in population databases (rs755083907, gnomAD 0.006%). This variant has not been reported in the literature in individuals affected with GPHN-related conditions. ClinVar contains an entry for this variant (Variation ID: 2414942). An algorithm developed to predict the effect of missense changes on protein structure and function (PolyPhen-2) suggests that this variant¬†is likely to be tolerated. In summary, the available evidence is currently insufficient to determine the role of this variant in disease. Therefore, it has been classified as a Variant of Uncertain Significance.